The following is an entry in ClinVar:

NM_000548.5(TSC2):c.1007A>C (p.Tyr336Ser)

Gene: TSC2 (TSC complex subunit 2; plus strand). Cytogenetic location: 16p13.3.
Variant type: single nucleotide variant.
Coding change: c.1007A>C on transcript NM_000548.5 (MANE Select); coding-DNA position 1007, A replaced by C.
Protein change: p.Tyr336Ser; replaces tyrosine 336 with serine.
Molecular consequence: missense variant. On other transcripts: 5 prime UTR variant (10), non-coding transcript variant (5).
Genome position (GRCh38, 1-based): chr16:2,060,701, A>C. VCF-style: chr16-2060701-A-C. GRCh37 (hg19) VCF-style: chr16-2110702-A-C.
Other names: c.1007A>C, p.Tyr336Ser (NM_001370404.1, NM_001370405.1, NM_001406663.1 and 6 more transcripts); c.1097A>C, p.Tyr366Ser (NM_001406667.1, NM_001406668.1); c.896A>C, p.Tyr299Ser (NM_001406670.1, NM_001318827.2, NM_001406678.1); c.995A>C, p.Tyr332Ser (NM_001406671.1, NM_001406673.1); c.407A>C, p.Tyr136Ser (NM_001406684.1, NM_001406685.1, NM_001406686.1 and 6 more transcripts); c.-425A>C (NM_001406689.1, NM_001406690.1, NM_001406691.1 and 4 more transcripts); c.-306A>C (NM_001406694.1, NM_001406695.1); c.860A>C, p.Tyr287Ser (NM_001318829.2, NM_001406675.1, NM_001406676.1 and 1 more transcripts); and 4 more; short protein forms Y136S, Y182S, Y287S, Y299S, Y317S, Y332S, Y336S, Y347S.
Identifiers: ClinVar variation 4802841 (VCV004802841.2).
Genomic context (GRCh38, chr16:2,060,701, plus strand): 5'-CCTGTGTGCTGGCCGGGCTCGTGTTCCAGGCCATGGCATGTCCGAACGAGGTGGTGTCCT[A>C]TGAGATCGTCCTGTCCATCACCAGGCTCATCAAGAAGTATAGGAAGGAGCTCCAGGTGGT-3'
Protein context (NP_000539.2, residues 326-346): AMACPNEVVS[Tyr336Ser]EIVLSITRLI

ClinVar aggregate classification (germline): Uncertain significance. Review status: criteria provided, multiple submitters, no conflicts (2 of 4 stars). 2 submissions from 2 submitters: Uncertain significance (2). Last evaluated 2026-02-28.

Conditions:
Hereditary cancer-predisposing syndrome. Also called: Neoplastic Syndromes, Hereditary; Hereditary neoplastic syndrome; Tumor predisposition; Hereditary Cancer Syndrome. Identifiers: Orphanet 140162, MedGen C0027672, MeSH D009386, MONDO:0015356.
Tuberous sclerosis 2 (TSC2). Identifiers: Orphanet 805, MedGen C1860707, MONDO:0013199, OMIM 613254.

Submissions (2):

Ambry Genetics
Classification: Uncertain significance for Hereditary cancer-predisposing syndrome. Last evaluated: 2026-02-28. Review status: criteria provided, single submitter. Criteria: Ambry Variant Classification Scheme 2023. Collection method: clinical testing. Allele origin: germline.
Comment: The p.Y336S variant (also known as c.1007A>C), located in coding exon 10 of the TSC2 gene, results from an A to C substitution at nucleotide position 1007. The tyrosine at codon 336 is replaced by serine, an amino acid with dissimilar properties. This amino acid position is conserved. In addition, this alteration is predicted to be deleterious by in silico analysis. Based on the available evidence, the clinical significance of this variant remains unclear.

Labcorp Genetics (formerly Invitae), Labcorp
Classification: Uncertain significance for Tuberous sclerosis 2. Last evaluated: 2025-07-29. Review status: criteria provided, single submitter. Criteria: Invitae Variant Classification Sherloc (09022015). Collection method: clinical testing. Allele origin: germline.
Comment: This sequence change replaces tyrosine, which is neutral and polar, with serine, which is neutral and polar, at codon 336 of the TSC2 protein (p.Tyr336Ser). This variant is not present in population databases (gnomAD no frequency). This variant has not been reported in the literature in individuals affected with TSC2-related conditions. Invitae Evidence Modeling of protein sequence and biophysical properties (such as structural, functional, and spatial information, amino acid conservation, physicochemical variation, residue mobility, and thermodynamic stability) indicates that this missense variant is not expected to disrupt TSC2 protein function with a negative predictive value of 95%. In summary, the available evidence is currently insufficient to determine the role of this variant in disease. Therefore, it has been classified as a Variant of Uncertain Significance.